The following is an entry in ClinVar:

ClinVar aggregate classification (germline): Likely benign. Review status: criteria provided, multiple submitters, no conflicts (2 of 4 stars). 3 submissions from 3 submitters: Likely benign (3). Last evaluated 2025-12-15.

Conditions:
Hypertrophic cardiomyopathy. Also called: HYPERTROPHIC MYOCARDIOPATHY. Identifiers: Orphanet 217569, MedGen C0007194, MeSH D002312, MONDO:0005045, HP:0001639.
Cardiomyopathy (CMYO). Also called: Cardiomyopathies. Identifiers: Orphanet 167848, MedGen C0878544, MONDO:0004994, HP:0001638. Inheritance: Various modes of inheritance.

Allele frequency attached by ClinVar (database versions not stated): TOPMed below 0.00001; gnomAD exomes 0.00001.
gnomAD v4.1: 6 of 1,614,106 alleles (0.00037%); highest among the groups gnomAD compares: Non-Finnish European, 0.00051%; no homozygotes.

Submissions (3):

Labcorp Genetics (formerly Invitae), Labcorp
Classification: Likely benign for Hypertrophic cardiomyopathy. Last evaluated: 2025-12-15. Review status: criteria provided, single submitter. Criteria: Invitae Variant Classification Sherloc (09022015). Collection method: clinical testing. Allele origin: germline.

All of Us Research Program, National Institutes of Health
Classification: Likely benign for Cardiomyopathy. Last evaluated: 2023-10-27. Review status: criteria provided, single submitter. Criteria: ACMG Guidelines, 2015. Collection method: clinical testing. Allele origin: germline. Inheritance: Autosomal dominant inheritance. Observed: 2 variant alleles, 2 heterozygotes.
Comment: This study involves interpretation of variants in research participants for the purpose of population health screening. Participant phenotype was not available at the time of variant classification. Additional details can be found in publication PMID: 35346344, PMCID: PMC8962531

GeneDx
Classification: Likely benign. Last evaluated: 2020-12-15. Review status: criteria provided, single submitter. Criteria: GeneDx Variant Classification Process June 2021. Collection method: clinical testing. Allele origin: germline. Affected: yes.

NM_000257.4(MYH7):c.5739C>G (p.Ala1913=)

Gene: MYH7 (myosin heavy chain 7; minus strand). Cytogenetic location: 14q11.2.
Variant type: single nucleotide variant.
Coding change: c.5739C>G on transcript NM_000257.4 (MANE Select); coding-DNA position 5739, C replaced by G.
Protein change: p.Ala1913=; no amino-acid change (alanine 1913 retained).
Molecular consequence: synonymous variant.
Genome position (GRCh38, 1-based): chr14:23,413,810, G>C on the plus strand (C>G on the coding strand, the complement: MYH7 is on the minus strand). VCF-style: chr14-23413810-G-C. GRCh37 (hg19) VCF-style: chr14-23883019-G-C.
Identifiers: ClinVar variation 1204740 (VCV001204740.12), dbSNP rs200921000, ClinGen allele CA048139.
Genomic context (GRCh38, chr14:23,413,810, plus strand): 5'-GGGACCCACCTTCGTGCCAATGTCACGGCTCTTGGCCCGCAGCTTGTTGACCTGGGACTC[G>C]GCGATGTCCGCCCGCTCCTCTGCCTCATCCAGCTCGTGCTGCACCTTGCGGAACTTGGAC-3'
Protein context (NP_000248.2, residues 1903-1923): LDEAEERADI[Ala1913=]ESQVNKLRAK